The following is an entry in ClinVar:

NM_001379500.1(COL18A1):c.2707C>T (p.Gln903Ter)

Genes: COL18A1 (collagen type XVIII alpha 1 chain; plus strand), SLC19A1 (solute carrier family 19 member 1; minus strand). Cytogenetic location: 21q22.3.
Variant type: single nucleotide variant.
Coding change: c.2707C>T on transcript NM_001379500.1 (MANE Select); coding-DNA position 2707, C replaced by T.
Protein change: p.Gln903Ter; replaces glutamine 903 with a stop codon.
Molecular consequence: nonsense.
Genome position (GRCh38, 1-based): chr21:45,504,034, C>T. VCF-style: chr21-45504034-C-T. GRCh37 (hg19) VCF-style: chr21-46923948-C-T.
Other names: c.3247C>T, p.Gln1083Ter (NM_030582.4); c.3952C>T, p.Gln1318Ter (NM_130444.3); short protein forms Q1318*, Q1083*, Q903*.
Identifiers: ClinVar variation 1429645 (VCV001429645.6), dbSNP rs2146069782, ClinGen allele CA410499030.

ClinVar aggregate classification (germline): Pathogenic (1 of 4 stars; one submission).

Submission:

Labcorp Genetics (formerly Invitae), Labcorp
Classification: Pathogenic. Last evaluated: 2021-10-29. Review status: criteria provided, single submitter. Criteria: Invitae Variant Classification Sherloc (09022015). Collection method: clinical testing. Allele origin: germline.
Comment: This sequence change creates a premature translational stop signal (p.Gln903*) in the COL18A1 gene. It is expected to result in an absent or disrupted protein product. Loss-of-function variants in COL18A1 are known to be pathogenic (PMID: 12415512, 25456301). This variant is not present in population databases (gnomAD no frequency). This variant has not been reported in the literature in individuals affected with COL18A1-related conditions. For these reasons, this variant has been classified as Pathogenic.

Literature cited by the submitters: PubMed 12415512; PubMed 25456301.